The following is an entry in ClinVar:

ClinVar aggregate classification (germline): Benign/Likely benign. Review status: criteria provided, multiple submitters, no conflicts (2 of 4 stars). 7 submissions from 7 submitters: Benign (3); Likely benign (2). 2 of the submissions do not count toward it. Last evaluated 2025-11-10.

Allele frequency attached by ClinVar (database versions not stated): ESP Exome Variant Server 0.00302; 1000 Genomes Project 30x 0.00312; ExAC 0.00066; TOPMed 0.00318; gnomAD 0.00257 and 0.00280; 1000 Genomes Project 0.00280.
gnomAD v4.1: 842 of 1,611,608 alleles (0.052%); highest among the groups gnomAD compares: African/African-American, 0.96%; 7 homozygotes.

Submissions (7):

Labcorp Genetics (formerly Invitae), Labcorp
Classification: Benign. Last evaluated: 2025-11-10. Review status: criteria provided, single submitter. Criteria: Invitae Variant Classification Sherloc (09022015). Collection method: clinical testing. Allele origin: germline.

CeGaT Center for Human Genetics Tuebingen
Classification: Likely benign. Last evaluated: 2025-11-01. Review status: criteria provided, single submitter. Criteria: CeGaT Center For Human Genetics Tuebingen Variant Classification Criteria Version 2. Collection method: clinical testing. Allele origin: germline. Affected: yes. Observed: 2 variant alleles.
Comment: CACNA1G: BP4, BP7

Blueprint Genetics
Classification: Likely benign. Last evaluated: 2024-03-26. Review status: criteria provided, single submitter. Criteria: ACMG Guidelines, 2015. Collection method: clinical testing. Allele origin: germline.

GeneDx
Classification: Benign. Last evaluated: 2021-04-07. Review status: criteria provided, single submitter. Criteria: GeneDx Variant Classification Process June 2021. Collection method: clinical testing. Allele origin: germline. Affected: yes.

Breakthrough Genomics
Classification: Benign. Review status: criteria provided, single submitter. Criteria: ACMG Guidelines, 2015. Collection method: not provided. Allele origin: germline. Inheritance: Autosomal dominant inheritance. Affected: yes.

Clinical Genetics DNA and cytogenetics Diagnostics Lab, Erasmus MC, Erasmus Medical Center
Classification: Likely benign. Review status: no assertion criteria provided. Collection method: clinical testing. Allele origin: germline. Affected: yes. Study: VKGL Data-share Consensus. Not counted in ClinVar's aggregate classification.

Genome Diagnostics Laboratory, University Medical Center Utrecht
Classification: Benign. Review status: no assertion criteria provided. Collection method: clinical testing. Allele origin: germline. Affected: yes. Study: VKGL Data-share Consensus. Not counted in ClinVar's aggregate classification.

NM_018896.5(CACNA1G):c.2907G>A (p.Ala969=)

Gene: CACNA1G (calcium voltage-gated channel subunit alpha1 G; plus strand). Cytogenetic location: 17q21.33.
Variant type: single nucleotide variant.
Coding change: c.2907G>A on transcript NM_018896.5 (MANE Select); coding-DNA position 2907, G replaced by A.
Protein change: p.Ala969=; no amino-acid change (alanine 969 retained).
Molecular consequence: synonymous variant. On other transcripts: non-coding transcript variant (5).
Genome position (GRCh38, 1-based): chr17:50,592,089, G>A. VCF-style: chr17-50592089-G-A. GRCh37 (hg19) VCF-style: chr17-48669450-G-A.
Other names: c.2907G>A, p.Ala969= (NM_001256324.2, NM_001256325.2, NM_001256326.2 and 24 more transcripts).
Identifiers: ClinVar variation 732680 (VCV000732680.36), dbSNP rs60134952, ClinGen allele CA8652541.